The following is an entry in ClinVar:

NM_001303052.2(MYT1L):c.251_252delinsCA (p.Ser84Thr)

Gene: MYT1L (myelin transcription factor 1 like; minus strand). Cytogenetic location: 2p25.3.
Variant type: Indel.
Coding change: c.251_252delinsCA on transcript NM_001303052.2 (MANE Select); coding-DNA positions 251 to 252, GC replaced by CA.
Protein change: p.Ser84Thr; replaces serine 84 with threonine.
Molecular consequence: missense variant.
Genome position (GRCh38, 1-based): chr2:1,943,235-1,943,236, GC replaced by TG on the plus strand (GC replaced by CA on the coding strand, the reverse complement: MYT1L is on the minus strand). VCF-style: chr2-1943235-GC-TG. GRCh37 (hg19) VCF-style: chr2-1947007-GC-TG.
Other names: c.251_252delinsCA, p.Ser84Thr (NM_001329844.2, NM_001329845.1, NM_001329846.3 and 6 more transcripts); short protein forms S84T.
Identifiers: ClinVar variation 2629593 (VCV002629593.1), dbSNP rs2551028748, ClinGen allele CA2695200418.

ClinVar aggregate classification (germline): Uncertain significance (1 of 4 stars; one submission).

Conditions:
MYT1L-related disorder. Also called: MYT1L-related condition.

Submission:

PreventionGenetics, part of Exact Sciences
Classification: Uncertain significance for MYT1L-related condition. Last evaluated: 2023-01-05. Review status: criteria provided, single submitter. Criteria: ACMG Guidelines, 2015. Collection method: clinical testing. Allele origin: germline.
Comment: The MYT1L c.251_252delinsCA variant is predicted to result in an in-frame deletion and insertion. To our knowledge, this variant has not been reported in the literature. This variant has been found on 4 alleles in a large population database. At this time, the clinical significance of this variant is uncertain due to the absence of conclusive functional and genetic evidence.